The following is an entry in ClinVar:

NM_001080517.3(SETD5):c.3821A>G (p.Tyr1274Cys)

Gene: SETD5 (SET domain containing 5; plus strand). Cytogenetic location: 3p25.3.
Variant type: single nucleotide variant.
Coding change: c.3821A>G on transcript NM_001080517.3 (MANE Select); coding-DNA position 3821, A replaced by G.
Protein change: p.Tyr1274Cys; replaces tyrosine 1274 with cysteine.
Molecular consequence: missense variant.
Genome position (GRCh38, 1-based): chr3:9,475,583, A>G. VCF-style: chr3-9475583-A-G. GRCh37 (hg19) VCF-style: chr3-9517267-A-G.
Other names: c.3527A>G, p.Tyr1176Cys (NM_001292043.2, NM_001349451.2); short protein forms Y1176C, Y1274C.
Identifiers: ClinVar variation 2396684 (VCV002396684.4), dbSNP rs748926444, ClinGen allele CA2239806.

ClinVar aggregate classification (germline): Conflicting classifications of pathogenicity. Review status: criteria provided, conflicting classifications (1 of 4 stars). 2 submissions from 2 submitters: Uncertain significance (1); Likely benign (1). Last evaluated 2025-05-07.

Conditions:
Inborn genetic diseases. Identifiers: MedGen C0950123, MeSH D030342.

Allele frequency attached by ClinVar (database versions not stated): ExAC 0.00001; gnomAD exomes 0.00002; gnomAD 0.00001.
gnomAD v4.1: 27 of 1,613,798 alleles (0.0017%); highest among the groups gnomAD compares: East Asian, 0.0022%; no homozygotes.

Submissions (2):

Labcorp Genetics (formerly Invitae), Labcorp
Classification: Uncertain significance. Last evaluated: 2025-05-07. Review status: criteria provided, single submitter. Criteria: Invitae Variant Classification Sherloc (09022015). Collection method: clinical testing. Allele origin: germline.
Comment: This sequence change replaces tyrosine, which is neutral and polar, with cysteine, which is neutral and slightly polar, at codon 1274 of the SETD5 protein (p.Tyr1274Cys). This variant is present in population databases (rs748926444, gnomAD 0.002%). This variant has not been reported in the literature in individuals affected with SETD5-related conditions. ClinVar contains an entry for this variant (Variation ID: 2396684). Invitae Evidence Modeling of protein sequence and biophysical properties (such as structural, functional, and spatial information, amino acid conservation, physicochemical variation, residue mobility, and thermodynamic stability) indicates that this missense variant is expected to disrupt SETD5 protein function with a positive predictive value of 80%. In summary, the available evidence is currently insufficient to determine the role of this variant in disease. Therefore, it has been classified as a Variant of Uncertain Significance.

Ambry Genetics
Classification: Likely benign for Inborn genetic diseases. Last evaluated: 2022-09-14. Review status: criteria provided, single submitter. Criteria: Ambry Variant Classification Scheme 2023. Collection method: clinical testing. Allele origin: germline.